The following is an entry in ClinVar:

ClinVar aggregate classification (germline): Likely pathogenic (1 of 4 stars; one submission).

Submission:

Labcorp Genetics (formerly Invitae), Labcorp
Classification: Likely pathogenic. Last evaluated: 2023-05-23. Review status: criteria provided, single submitter. Criteria: Invitae Variant Classification Sherloc (09022015). Collection method: clinical testing. Allele origin: germline.
Comment: In summary, the currently available evidence indicates that the variant is pathogenic, but additional data are needed to prove that conclusively. Therefore, this variant has been classified as Likely Pathogenic. Algorithms developed to predict the effect of sequence changes on RNA splicing suggest that this variant may disrupt the consensus splice site. This variant has not been reported in the literature in individuals affected with ACBD5-related conditions. This variant is not present in population databases (gnomAD no frequency). This sequence change affects an acceptor splice site in intron 5 of the ACBD5 gene. It is expected to disrupt RNA splicing. Variants that disrupt the donor or acceptor splice site typically lead to a loss of protein function (PMID: 16199547), and loss-of-function variants in ACBD5 are known to be pathogenic (PMID: 23105016, 27799409).

Literature cited by the submitters: PubMed 16199547; PubMed 23105016; PubMed 27799409.

NM_145698.5(ACBD5):c.491-2A>G

Gene: ACBD5 (acyl-CoA binding domain containing 5; minus strand). Cytogenetic location: 10p12.1.
Variant type: single nucleotide variant.
Coding change: c.491-2A>G on transcript NM_145698.5 (MANE Select); the canonical splice acceptor site of the intron before coding-DNA position 491, A replaced by G.
Molecular consequence: splice acceptor variant. On other transcripts: intron variant (2).
Genome position (GRCh38, 1-based): chr10:27,219,859, T>C on the plus strand (A>G on the coding strand, the complement: ACBD5 is on the minus strand). VCF-style: chr10-27219859-T-C. GRCh37 (hg19) VCF-style: chr10-27508788-T-C.
Other names: c.491-2A>G (NM_001352570.1, NM_001352588.1); c.164-2A>G (NM_001301253.2, NM_001301251.2, NM_001352583.1 and 3 more transcripts); c.386-56A>G (NM_001352580.2); c.386-2A>G (NM_001352577.2, NM_001352582.2, NM_001042473.4 and 2 more transcripts); c.419-2A>G (NM_001352575.2, NM_001352574.2, NM_001352576.2); c.197-2A>G (NM_001352585.1); c.512-2A>G (NM_001352572.1); c.545-2A>G (NM_001352568.1); and 4 more.
Identifiers: ClinVar variation 2812262 (VCV002812262.3), dbSNP rs2540889666, ClinGen allele CA376376283.